The following is an entry in ClinVar:

NM_006279.5(ST3GAL3):c.118+3A>G

Gene: ST3GAL3 (ST3 beta-galactoside alpha-2,3-sialyltransferase 3; plus strand). Cytogenetic location: 1p34.1.
Variant type: single nucleotide variant.
Coding change: c.118+3A>G on transcript NM_006279.5 (MANE Select); 3 bases into the intron after coding-DNA position 118, A replaced by G.
Molecular consequence: intron variant. On other transcripts: missense variant (6).
Genome position (GRCh38, 1-based): chr1:43,736,383, A>G. VCF-style: chr1-43736383-A-G. GRCh37 (hg19) VCF-style: chr1-44202054-A-G.
Other names: c.121A>G, p.Lys41Glu (NM_001270463.3, NM_001270465.3, NM_001350619.2 and 3 more transcripts); c.118+3A>G (NM_174968.5, NM_001363573.2, NM_001350620.2 and 11 more transcripts); c.-336+3A>G (NM_001350621.2); short protein forms K41E.
Identifiers: ClinVar variation 2096862 (VCV002096862.3), dbSNP rs2548118524, ClinGen allele CA340031027.

ClinVar aggregate classification (germline): Uncertain significance (1 of 4 stars; one submission).

Conditions:
Developmental and epileptic encephalopathy. Identifiers: MedGen C5779964, MONDO:0100620.

Allele frequency attached by ClinVar (database versions not stated): gnomAD exomes below 0.00001.
gnomAD v4.1: 3 of 1,614,156 alleles (0.00019%); highest among the groups gnomAD compares: Admixed American, 0.0017%; no homozygotes.

Submission:

Labcorp Genetics (formerly Invitae), Labcorp
Classification: Uncertain significance for Early-infantile DEE. Last evaluated: 2022-02-11. Review status: criteria provided, single submitter. Criteria: Invitae Variant Classification Sherloc (09022015). Collection method: clinical testing. Allele origin: germline.
Comment: In summary, the available evidence is currently insufficient to determine the role of this variant in disease. Therefore, it has been classified as a Variant of Uncertain Significance. Variants that disrupt the consensus splice site are a relatively common cause of aberrant splicing (PMID: 17576681, 9536098). Algorithms developed to predict the effect of sequence changes on RNA splicing suggest that this variant is not likely to affect RNA splicing. This variant has not been reported in the literature in individuals affected with ST3GAL3-related conditions. This variant is not present in population databases (gnomAD no frequency). This sequence change falls in intron 2 of the ST3GAL3 gene. It does not directly change the encoded amino acid sequence of the ST3GAL3 protein. It affects a nucleotide within the consensus splice site.

Literature cited by the submitters: PubMed 17576681; PubMed 9536098.